The following is an entry in ClinVar:

NM_053025.4(MYLK):c.1028G>T (p.Ser343Ile)

Gene: MYLK (myosin light chain kinase; minus strand). Cytogenetic location: 3q21.1.
Variant type: single nucleotide variant.
Coding change: c.1028G>T on transcript NM_053025.4 (MANE Select); coding-DNA position 1028, G replaced by T.
Protein change: p.Ser343Ile; replaces serine 343 with isoleucine.
Molecular consequence: missense variant.
Genome position (GRCh38, 1-based): chr3:123,733,968, C>A on the plus strand (G>T on the coding strand, the complement: MYLK is on the minus strand). VCF-style: chr3-123733968-C-A. GRCh37 (hg19) VCF-style: chr3-123452815-C-A.
Other names: c.500G>T, p.Ser167Ile (NM_001321309.2); c.1028G>T, p.Ser343Ile (NM_053026.4, NM_053027.4, NM_053028.4); short protein forms S343I, S167I.
Identifiers: ClinVar variation 471697 (VCV000471697.34), dbSNP rs961194527, ClinGen allele CA82943023.

ClinVar aggregate classification (germline): Uncertain significance. Review status: criteria provided, multiple submitters, no conflicts (2 of 4 stars). 4 submissions from 4 submitters: Uncertain significance (4). Last evaluated 2026-07-01.

Conditions:
Familial thoracic aortic aneurysm and aortic dissection (TAAD). Also called: Thoracic aortic aneurysms and dissections. Identifiers: Orphanet 91387, MedGen C4707243, MONDO:0019625.
Aortic aneurysm, familial thoracic 7 (AAT7). Also called: AORTIC DISSECTION, FAMILIAL, WITH OR WITHOUT AORTIC ANEURYSM. Identifiers: MedGen C3151077, MONDO:0013418, OMIM 613780.

Allele frequency attached by ClinVar (database versions not stated): gnomAD exomes below 0.00001 and 0.00001; gnomAD 0.00001; TOPMed 0.00001.
gnomAD v4.1: 9 of 1,614,084 alleles (0.00056%); highest among the groups gnomAD compares: Non-Finnish European, 0.00076%; no homozygotes.

Submissions (4):

CeGaT Center for Human Genetics Tuebingen
Classification: Uncertain significance. Last evaluated: 2026-07-01. Review status: criteria provided, single submitter. Criteria: CeGaT Center For Human Genetics Tuebingen Variant Classification Criteria Version 2. Collection method: clinical testing. Allele origin: germline. Affected: yes. Observed: 2 variant alleles.
Comment: MYLK: PM2:Supporting, BP4

Ambry Genetics
Classification: Uncertain significance for Familial thoracic aortic aneurysm and aortic dissection. Last evaluated: 2025-06-17. Review status: criteria provided, single submitter. Criteria: Ambry Variant Classification Scheme 2023. Collection method: clinical testing. Allele origin: germline.
Comment: The p.S343I variant (also known as c.1028G>T), located in coding exon 7 of the MYLK gene, results from a G to T substitution at nucleotide position 1028. The serine at codon 343 is replaced by isoleucine, an amino acid with dissimilar properties. This amino acid position is highly conserved in available vertebrate species. In addition, the in silico prediction for this alteration is inconclusive. Since supporting evidence is limited at this time, the clinical significance of this alteration remains unclear.

Labcorp Genetics (formerly Invitae), Labcorp
Classification: Uncertain significance for Aortic aneurysm, familial thoracic 7. Last evaluated: 2025-05-27. Review status: criteria provided, single submitter. Criteria: Invitae Variant Classification Sherloc (09022015). Collection method: clinical testing. Allele origin: germline.
Comment: This sequence change replaces serine, which is neutral and polar, with isoleucine, which is neutral and non-polar, at codon 343 of the MYLK protein (p.Ser343Ile). This variant is present in population databases (no rsID available, gnomAD 0.002%). This variant has not been reported in the literature in individuals affected with MYLK-related conditions. ClinVar contains an entry for this variant (Variation ID: 471697). Invitae Evidence Modeling of protein sequence and biophysical properties (such as structural, functional, and spatial information, amino acid conservation, physicochemical variation, residue mobility, and thermodynamic stability) indicates that this missense variant is not expected to disrupt MYLK protein function with a negative predictive value of 95%. In summary, the available evidence is currently insufficient to determine the role of this variant in disease. Therefore, it has been classified as a Variant of Uncertain Significance.

GeneDx
Classification: Uncertain significance. Last evaluated: 2024-06-21. Review status: criteria provided, single submitter. Criteria: GeneDx Variant Classification Process June 2021. Collection method: clinical testing. Allele origin: germline. Affected: yes.
Comment: Has not been previously published as pathogenic or benign to our knowledge; Not observed at significant frequency in large population cohorts (gnomAD); In silico analysis indicates that this missense variant does not alter protein structure/function; In silico analysis suggests this variant may impact gene splicing. In the absence of RNA/functional studies, the actual effect of this sequence change is unknown.